The following is an entry in ClinVar:

NM_025132.4(WDR19):c.2276G>A (p.Trp759Ter)

Gene: WDR19 (WD repeat domain 19; plus strand). Cytogenetic location: 4p14.
Variant type: single nucleotide variant.
Coding change: c.2276G>A on transcript NM_025132.4 (MANE Select); coding-DNA position 2276, G replaced by A.
Protein change: p.Trp759Ter; replaces tryptophan 759 with a stop codon.
Molecular consequence: nonsense.
Genome position (GRCh38, 1-based): chr4:39,234,788, G>A. VCF-style: chr4-39234788-G-A. GRCh37 (hg19) VCF-style: chr4-39236408-G-A.
Other names: c.1796G>A, p.Trp599Ter (NM_001317924.2); short protein forms W599*, W759*.
Identifiers: ClinVar variation 2942505 (VCV002942505.3), dbSNP rs978366659, ClinGen allele CA95677687.
Genomic context (GRCh38, chr4:39,234,788, plus strand): 5'-TTGCTCATTTGAAATTAAGGTCTTTCTCTTCTTAACAGATGAGAAGGGATTTACAGCATT[G>A]GGACAGTGCTCTACAACTGGCAAAGCATTTGGCCCCAGACCAGATACCTTTTATATCAAA-3'

ClinVar aggregate classification (germline): Pathogenic (1 of 4 stars; one submission).

Conditions:
Senior-Loken syndrome 8 (SLSN8). Identifiers: Orphanet 3156, MedGen C4225376, MONDO:0014579, OMIM 616307.
Asphyxiating thoracic dystrophy 5 (SRTD5). Also called: SHORT-RIB THORACIC DYSPLASIA 5 WITH OR WITHOUT POLYDACTYLY; SHORT-RIB THORACIC DYSPLASIA 5 WITHOUT POLYDACTYLY. Identifiers: Orphanet 474, MedGen C3280598, MONDO:0013717, OMIM 614376.

Allele frequency attached by ClinVar (database versions not stated): gnomAD 0.00002; TOPMed 0.00002.

Submission:

Labcorp Genetics (formerly Invitae), Labcorp
Classification: Pathogenic for Senior-Loken syndrome 8; Asphyxiating thoracic dystrophy 5. Last evaluated: 2022-12-20. Review status: criteria provided, single submitter. Criteria: Invitae Variant Classification Sherloc (09022015). Collection method: clinical testing. Allele origin: germline.
Comment: For these reasons, this variant has been classified as Pathogenic. This variant has not been reported in the literature in individuals affected with WDR19-related conditions. The frequency data for this variant in the population databases is considered unreliable, as metrics indicate poor data quality at this position in the gnomAD database. This sequence change creates a premature translational stop signal (p.Trp759*) in the WDR19 gene. It is expected to result in an absent or disrupted protein product. Loss-of-function variants in WDR19 are known to be pathogenic (PMID: 22019273, 23559409, 23683095, 26275793, 27241786, 29068549).

Literature cited by the submitters: PubMed 22019273; PubMed 23559409; PubMed 23683095; PubMed 26275793; PubMed 27241786; PubMed 29068549.